The following is an entry in ClinVar:

NM_015208.5(ANKRD12):c.2924C>A (p.Ser975Tyr)

Gene: ANKRD12 (ankyrin repeat domain 12; plus strand). Cytogenetic location: 18p11.22.
Variant type: single nucleotide variant.
Coding change: c.2924C>A on transcript NM_015208.5 (MANE Select); coding-DNA position 2924, C replaced by A.
Protein change: p.Ser975Tyr; replaces serine 975 with tyrosine.
Molecular consequence: missense variant.
Genome position (GRCh38, 1-based): chr18:9,256,191, C>A. VCF-style: chr18-9256191-C-A. GRCh37 (hg19) VCF-style: chr18-9256189-C-A.
Other names: c.2855C>A, p.Ser952Tyr (NM_001083625.3, NM_001204056.1); short protein forms S952Y, S975Y.
Identifiers: ClinVar variation 3040962 (VCV003040962.2), dbSNP rs182642815, ClinGen allele CA8887940.

ClinVar aggregate classification (germline): Likely benign (0 of 4 stars; one submission).

Conditions:
ANKRD12-related disorder. Also called: ANKRD12-related condition.

Allele frequency attached by ClinVar (database versions not stated): 1000 Genomes Project 30x 0.00047; 1000 Genomes Project 0.00060.

Submission:

PreventionGenetics, part of Exact Sciences
Classification: Likely benign for ANKRD12-related condition. Last evaluated: 2023-05-22. Review status: no assertion criteria provided. Collection method: clinical testing. Allele origin: germline.
Comment: This variant is classified as likely benign based on ACMG/AMP sequence variant interpretation guidelines (Richards et al. 2015 PMID: 25741868, with internal and published modifications).